The following is an entry in ClinVar:

ClinVar aggregate classification (germline): Uncertain significance (0 of 4 stars; one submission).

Submission:

Leiden Open Variation Database
Classification: Uncertain significance. Last evaluated: 2018-10-10. Review status: no assertion criteria provided. Collection method: curation. Allele origin: germline. Affected: yes.
Comment: Curators: Marc Tischkowitz, Arleen D. Auerbach. Submitter to LOVD: Yukihide Momozawa.

Literature cited by the submitters: PubMed 30287823.

NM_024675.4(PALB2):c.744T>C (p.Val248=)

Gene: PALB2 (partner and localizer of BRCA2; minus strand). Cytogenetic location: 16p12.2.
Variant type: single nucleotide variant.
Coding change: c.744T>C on transcript NM_024675.4 (MANE Select); coding-DNA position 744, T replaced by C.
Protein change: p.Val248=; no amino-acid change (valine 248 retained).
Molecular consequence: synonymous variant.
Genome position (GRCh38, 1-based): chr16:23,635,802, A>G on the plus strand (T>C on the coding strand, the complement: PALB2 is on the minus strand). VCF-style: chr16-23635802-A-G. GRCh37 (hg19) VCF-style: chr16-23647123-A-G.
Identifiers: ClinVar variation 830114 (VCV000830114.1), dbSNP rs1967024686, ClinGen allele CA494461650.